The following is an entry in ClinVar:

ClinVar aggregate classification (germline): Conflicting classifications of pathogenicity. Review status: criteria provided, conflicting classifications (1 of 4 stars). 8 submissions from 8 submitters: Uncertain significance (6); Likely benign (1). 1 of the submissions does not count toward it. Last evaluated 2026-02-20.

Conditions:
Hereditary cancer-predisposing syndrome. Also called: Neoplastic Syndromes, Hereditary; Hereditary neoplastic syndrome; Hereditary Cancer Syndrome; Tumor predisposition. Identifiers: Orphanet 140162, MedGen C0027672, MeSH D009386, MONDO:0015356.
Familial adenomatous polyposis 2. Also called: MUTYH-related attenuated familial adenomatous polyposis; FAP type 2; MUTYH-associated polyposis; MUTYH Polyposis; Adenomas, multiple colorectal; COLORECTAL ADENOMATOUS POLYPOSIS, AUTOSOMAL RECESSIVE. Identifiers: Orphanet 220460, Orphanet 247798, MedGen C3272841, MONDO:0012041, OMIM 608456.
MUTYH-related disorder. Also called: MUTYH-related condition; MUTYH-related disorders.

Allele frequency attached by ClinVar (database versions not stated): TOPMed below 0.00001; gnomAD 0.00001; gnomAD exomes 0.00002.
gnomAD v4.1: 30 of 1,614,094 alleles (0.0019%); highest among the groups gnomAD compares: Non-Finnish European, 0.0023%; no homozygotes.

Submissions (8):

St. Jude Molecular Pathology, St. Jude Children's Research Hospital
Classification: Uncertain significance for Familial adenomatous polyposis 2. Last evaluated: 2026-02-20. Review status: criteria provided, single submitter. Criteria: St. Jude Assertion Criteria 2020. Collection method: clinical testing. Allele origin: germline.
Comment: the MUTYH gene are associated with MUTYH-associated polyposis, an autosomal recessive disorder characterized by the development of polyps and cancer of the large intestine (colon) and rectum (OMIM ID: 608456). Individuals with one pathogenic variant affecting the MUTYH gene may also be at increased risk of colon cancer and/or polyps. The MUTYH c.245C>A p.(Ser82Tyr) missense change is absent in gnomAD v2.1.1. The in silico t ool REVEL predicts a benign effect on protein function, but to our knowledge this prediction has not been confirmed by functional studies. This variant has been reported in an individual with colorectal cancer (PMID: 28135145). In summary, the evidence currently available is insufficient to determine the clinical significance of this variant. It has therefore been classified as of uncertain significance.

Labcorp Genetics (formerly Invitae), Labcorp
Classification: Uncertain significance for Familial adenomatous polyposis 2. Last evaluated: 2025-12-24. Review status: criteria provided, single submitter. Criteria: Invitae Variant Classification Sherloc (09022015). Collection method: clinical testing. Allele origin: germline.
Comment: This sequence change replaces serine, which is neutral and polar, with tyrosine, which is neutral and polar, at codon 82 of the MUTYH protein (p.Ser82Tyr). This variant is not present in population databases (gnomAD no frequency). This missense change has been observed in individual(s) with colorectal cancer (PMID: 28135145). This variant is also known as c.203C>A (p.S68Y). ClinVar contains an entry for this variant (Variation ID: 230578). An algorithm developed to predict the effect of missense changes on protein structure and function (PolyPhen-2) suggests that this variant is likely to be disruptive. In summary, the available evidence is currently insufficient to determine the role of this variant in disease. Therefore, it has been classified as a Variant of Uncertain Significance.

Ambry Genetics
Classification: Likely benign for Hereditary cancer-predisposing syndrome. Last evaluated: 2025-09-09. Review status: criteria provided, single submitter. Criteria: Ambry Variant Classification Scheme 2023. Collection method: clinical testing. Allele origin: germline.

All of Us Research Program, National Institutes of Health
Classification: Uncertain significance for Familial adenomatous polyposis 2. Last evaluated: 2023-08-28. Review status: criteria provided, single submitter. Criteria: ACMG Guidelines, 2015. Collection method: clinical testing. Allele origin: germline. Inheritance: Autosomal recessive inheritance. Observed: 2 variant alleles, 2 heterozygotes.
Comment: This missense variant replaces serine with tyrosine at codon 82 of the MUTYH protein. Computational prediction suggests that this variant may not impact protein structure and function (internally defined REVEL score threshold <= 0.5, PMID: 27666373). To our knowledge, functional studies have not been reported for this variant. This variant has not been reported in individuals affected with MUTYH-related disorders in the literature. This variant has not been identified in the general population by the Genome Aggregation Database (gnomAD). The available evidence is insufficient to determine the role of this variant in disease conclusively. Therefore, this variant is classified as a Variant of Uncertain Significance.

This study involves interpretation of variants in research participants for the purpose of population health screening. Participant phenotype was not available at the time of variant classification. Additional details can be found in publication PMID: 35346344, PMCID: PMC8962531

Color Diagnostics, LLC DBA Color Health
Classification: Uncertain significance for Hereditary cancer-predisposing syndrome. Last evaluated: 2023-08-21. Review status: criteria provided, single submitter. Criteria: ACMG Guidelines, 2015. Collection method: clinical testing. Allele origin: germline.
Comment: This missense variant replaces serine with tyrosine at codon 82 of the MUTYH protein. Computational prediction suggests that this variant may not impact protein structure and function (internally defined REVEL score threshold <= 0.5, PMID: 27666373). To our knowledge, functional studies have not been reported for this variant. This variant has not been reported in individuals affected with MUTYH-related disorders in the literature. This variant has not been identified in the general population by the Genome Aggregation Database (gnomAD). The available evidence is insufficient to determine the role of this variant in disease conclusively. Therefore, this variant is classified as a Variant of Uncertain Significance.

GeneDx
Classification: Uncertain significance. Last evaluated: 2019-12-23. Review status: criteria provided, single submitter. Criteria: GeneDx Variant Classification Process June 2021. Collection method: clinical testing. Allele origin: germline. Affected: yes.
Comment: Observed in individuals with colon cancer (Yurgelun 2017); Not observed in large population cohorts (Lek 2016); In silico analysis, which includes protein predictors and evolutionary conservation, supports a deleterious effect; Also known as c.203C>A (p.Ser68Tyr); This variant is associated with the following publications: (PMID: 28135145)

Quest Diagnostics Nichols Institute San Juan Capistrano
Classification: Uncertain significance. Last evaluated: 2018-01-03. Review status: criteria provided, single submitter. Criteria: Quest Diagnostics criteria. Collection method: clinical testing. Allele origin: germline.

PreventionGenetics, part of Exact Sciences
Classification: Uncertain significance for MUTYH-related condition. Last evaluated: 2024-07-29. Review status: no assertion criteria provided. Collection method: clinical testing. Allele origin: germline. Not counted in ClinVar's aggregate classification.
Comment: The MUTYH c.245C>A variant is predicted to result in the amino acid substitution p.Ser82Tyr. This variant was reported as a variant of uncertain significance in an individual with colorectal cancer (listed in Table A4 as c.203C>A, p.Ser68Tyr from transcript NM_001048171, Yurgelun et al 2017. PubMed ID: 28135145). This variant has not been reported in a large population database, indicating this variant is rare. This variant is interpreted as uncertain in ClinVar. At this time, the clinical significance of this variant is uncertain due to the absence of conclusive functional and genetic evidence.

Literature cited by the submitters: PubMed 28135145 (cited by Labcorp Genetics (formerly Invitae), Labcorp); PubMed 40738107 (cited by Ambry Genetics).

NM_001048174.2(MUTYH):c.161C>A (p.Ser54Tyr)

Gene: MUTYH (mutY DNA glycosylase; minus strand). Cytogenetic location: 1p34.1.
Variant type: single nucleotide variant.
Coding change: c.161C>A on transcript NM_001048174.2 (MANE Select); coding-DNA position 161, C replaced by A.
Protein change: p.Ser54Tyr; replaces serine 54 with tyrosine.
Molecular consequence: missense variant. On other transcripts: 5 prime UTR variant (1), non-coding transcript variant (2), intron variant (3).
Genome position (GRCh38, 1-based): chr1:45,333,516, G>T on the plus strand (C>A on the coding strand, the complement: MUTYH is on the minus strand). VCF-style: chr1-45333516-G-T. GRCh37 (hg19) VCF-style: chr1-45799188-G-T.
Other names: c.161C>A, p.Ser54Tyr (NM_001048171.2, NM_001048173.2, NM_001293195.2); c.164C>A, p.Ser55Tyr (NM_001048172.2); c.245C>A, p.Ser82Tyr (NM_001128425.2); c.206C>A, p.Ser69Tyr (NM_001293190.2); c.194C>A, p.Ser65Tyr (NM_001293191.2); c.-111C>A (NM_001350650.2); c.236C>A, p.Ser79Tyr (NM_012222.3); c.-92-19C>A (NM_001350651.2); and 1 more; short protein forms S82Y, S54Y, S79Y, S65Y, S69Y, S55Y.
Identifiers: ClinVar variation 230578 (VCV000230578.27), dbSNP rs876658645, ClinGen allele CA10577746.